The following is an entry in ClinVar:

ClinVar aggregate classification (germline): Uncertain significance. Review status: criteria provided, multiple submitters, no conflicts (2 of 4 stars). 3 submissions from 3 submitters: Uncertain significance (3). Last evaluated 2025-01-05.

Conditions:
Classic or attenuated familial adenomatous polyposis. Identifiers: MedGen CN372698, MONDO:0021057.
Hereditary cancer-predisposing syndrome. Also called: Hereditary Cancer Syndrome; Hereditary neoplastic syndrome; Neoplastic Syndromes, Hereditary; Tumor predisposition. Identifiers: Orphanet 140162, MedGen C0027672, MeSH D009386, MONDO:0015356.
Familial adenomatous polyposis 1 (FAP1). Also called: FAMILIAL ADENOMATOUS POLYPOSIS 1, ATTENUATED; POLYPOSIS, ADENOMATOUS INTESTINAL. Identifiers: MedGen C2713442, MONDO:0021056, OMIM 175100. Disease mechanism: loss of function.

Submissions (3):

Ambry Genetics
Classification: Uncertain significance for Hereditary cancer-predisposing syndrome. Last evaluated: 2025-01-05. Review status: criteria provided, single submitter. Criteria: Ambry Variant Classification Scheme 2023. Collection method: clinical testing. Allele origin: germline.
Comment: The p.P1648L variant (also known as c.4943C>T), located in coding exon 15 of the APC gene, results from a C to T substitution at nucleotide position 4943. The proline at codon 1648 is replaced by leucine, an amino acid with similar properties. This amino acid position is conserved. In addition, in silico predictors for this gene do not accurately predict pathogenicity. Based on the available evidence, the clinical significance of this variant remains unclear.

All of Us Research Program, National Institutes of Health
Classification: Uncertain significance for Classic or attenuated familial adenomatous polyposis. Last evaluated: 2024-03-05. Review status: criteria provided, single submitter. Criteria: ACMG Guidelines, 2015. Collection method: clinical testing. Allele origin: germline. Inheritance: Autosomal dominant inheritance. Observed: 1 variant allele, 1 heterozygote.
Comment: This study involves interpretation of variants in research participants for the purpose of population health screening. Participant phenotype was not available at the time of variant classification. Additional details can be found in publication PMID: 35346344, PMCID: PMC8962531

Labcorp Genetics (formerly Invitae), Labcorp
Classification: Uncertain significance for Familial adenomatous polyposis 1. Last evaluated: 2022-01-12. Review status: criteria provided, single submitter. Criteria: Invitae Variant Classification Sherloc (09022015). Collection method: clinical testing. Allele origin: germline.
Comment: Algorithms developed to predict the effect of missense changes on protein structure and function (SIFT, PolyPhen-2, Align-GVGD) all suggest that this variant is likely to be disruptive. In summary, the available evidence is currently insufficient to determine the role of this variant in disease. Therefore, it has been classified as a Variant of Uncertain Significance. This variant has not been reported in the literature in individuals affected with APC-related conditions. This variant is not present in population databases (gnomAD no frequency). This sequence change replaces proline, which is neutral and non-polar, with leucine, which is neutral and non-polar, at codon 1648 of the APC protein (p.Pro1648Leu).

NM_000038.6(APC):c.4943C>T (p.Pro1648Leu)

Gene: APC (APC regulator of Wnt signaling pathway; plus strand). Cytogenetic location: 5q22.2.
Variant type: single nucleotide variant.
Coding change: c.4943C>T on transcript NM_000038.6 (MANE Select); coding-DNA position 4943, C replaced by T.
Protein change: p.Pro1648Leu; replaces proline 1648 with leucine.
Molecular consequence: missense variant.
Genome position (GRCh38, 1-based): chr5:112,840,537, C>T. VCF-style: chr5-112840537-C-T. GRCh37 (hg19) VCF-style: chr5-112176234-C-T.
Other names: c.4943C>T (NM_000038.5); c.4943C>T, p.Pro1648Leu (NM_001127510.3, NM_001354895.2); c.4889C>T, p.Pro1630Leu (NM_001127511.3); c.4997C>T, p.Pro1666Leu (NM_001354896.2); c.4973C>T, p.Pro1658Leu (NM_001354897.2); c.4868C>T, p.Pro1623Leu (NM_001354898.2); c.4859C>T, p.Pro1620Leu (NM_001354899.2); c.4820C>T, p.Pro1607Leu (NM_001354900.2); and 6 more; short protein forms P1488L, P1547L, P1557L, P1630L, P1589L, P1623L, P1648L, P1365L.
Identifiers: ClinVar variation 1446639 (VCV001446639.10), dbSNP rs2149928044, ClinGen allele CA16032157.
Genomic context (GRCh38, chr5:112,840,537, plus strand): 5'-AGCATGTTAGTTTTACACCGGGGGATGATATGCCACGGGTGTATTGTGTTGAAGGGACAC[C>T]TATAAACTTTTCCACAGCTACATCTCTAAGTGATCTAACAATCGAATCCCCTCCAAATGA-3'
Protein context (NP_000029.2, residues 1638-1658): MPRVYCVEGT[Pro1648Leu]INFSTATSLS